The following is an entry in ClinVar:

ClinVar aggregate classification (germline): Pathogenic (1 of 4 stars; one submission).

Submission:

GeneDx
Classification: Pathogenic. Last evaluated: 2017-11-02. Review status: criteria provided, single submitter. Criteria: GeneDx Variant Classification (06012015). Collection method: clinical testing. Allele origin: germline. Affected: yes.
Comment: The c.7325delC variant in the KMT2D gene has not been reported previously as a pathogenic variant nor as a benign variant, to our knowledge. The c.7325delC variant causes a frameshift starting with codon Proline 2442, changes this amino acid to a Leucine residue, and creates a premature Stop codon at position 43 of the new reading frame, denoted p.Pro2442LeufsX43. This variant is predicted to cause loss of normal protein function either through protein truncation or nonsense-mediated mRNA decay. The c.7325delC variant is not observed in large population cohorts (Lek et al., 2016). We interpret c.7325delC as a pathogenic variant.

NM_003482.4(KMT2D):c.7325del (p.Pro2442fs)

Gene: KMT2D (lysine methyltransferase 2D; minus strand). Cytogenetic location: 12q13.12.
Variant type: Deletion.
Coding change: c.7325del on transcript NM_003482.4 (MANE Select); coding-DNA position 7325, one base deleted (C; older notation c.7325delC).
Protein change: p.Pro2442fs; shifts the reading frame from proline 2442.
Molecular consequence: frameshift variant.
Genome position (GRCh38, 1-based): chr12:49,040,445, G deleted on the plus strand (C on the coding strand, the reverse complement: KMT2D is on the minus strand); the first of 4 consecutive G bases (chr12:49,040,445-49,040,448); deleting any one gives the same sequence. VCF-style (leftmost placement, unchanged base first): chr12-49040444-AG-A. GRCh37 (hg19) VCF-style: chr12-49434227-AG-A.
Other names: c.7325delC (NM_003482.3); short protein forms P2442fs.
Identifiers: ClinVar variation 453212 (VCV000453212.2), dbSNP rs1555192192, ClinGen allele CA658658143.